The following is an entry in ClinVar:

ClinVar aggregate classification (germline): Uncertain significance (1 of 4 stars; one submission).

Conditions:
Acromesomelic dysplasia 1, Maroteaux type (AMD1). Also called: ST. HELENA DYSPLASIA; ACROMESOMELIC DYSPLASIA 1. Identifiers: Orphanet 40, MedGen C1864356, MONDO:0011275, OMIM 602875.
Tall stature-scoliosis-macrodactyly of the great toes syndrome. Also called: Epiphyseal chondrodysplasia, miura type. Identifiers: Orphanet 329191, MedGen C4014690, MONDO:0014401, OMIM 615923.

Submission:

Labcorp Genetics (formerly Invitae), Labcorp
Classification: Uncertain significance for Tall stature-scoliosis-macrodactyly of the great toes syndrome; Acromesomelic dysplasia 1, Maroteaux type. Last evaluated: 2024-09-11. Review status: criteria provided, single submitter. Criteria: Invitae Variant Classification Sherloc (09022015). Collection method: clinical testing. Allele origin: germline.
Comment: This sequence change replaces arginine, which is basic and polar, with glycine, which is neutral and non-polar, at codon 218 of the NPR2 protein (p.Arg218Gly). This variant is not present in population databases (gnomAD no frequency). This variant has not been reported in the literature in individuals affected with NPR2-related conditions. Invitae Evidence Modeling of protein sequence and biophysical properties (such as structural, functional, and spatial information, amino acid conservation, physicochemical variation, residue mobility, and thermodynamic stability) indicates that this missense variant is not expected to disrupt NPR2 protein function with a negative predictive value of 80%. In summary, the available evidence is currently insufficient to determine the role of this variant in disease. Therefore, it has been classified as a Variant of Uncertain Significance.

NM_003995.4(NPR2):c.652C>G (p.Arg218Gly)

Gene: NPR2 (natriuretic peptide receptor 2; plus strand). Cytogenetic location: 9p13.3.
Variant type: single nucleotide variant.
Coding change: c.652C>G on transcript NM_003995.4 (MANE Select); coding-DNA position 652, C replaced by G.
Protein change: p.Arg218Gly; replaces arginine 218 with glycine.
Molecular consequence: missense variant.
Genome position (GRCh38, 1-based): chr9:35,793,060, C>G. VCF-style: chr9-35793060-C-G. GRCh37 (hg19) VCF-style: chr9-35793057-C-G.
Other names: c.652C>G, p.Arg218Gly (NM_001378923.1); short protein forms R218G.
Identifiers: ClinVar variation 3748036 (VCV003748036.2).